The following is an entry in ClinVar:

ClinVar aggregate classification (germline): Uncertain significance (1 of 4 stars; one submission).

Submission:

Labcorp Genetics (formerly Invitae), Labcorp
Classification: Uncertain significance. Last evaluated: 2023-04-24. Review status: criteria provided, single submitter. Criteria: Invitae Variant Classification Sherloc (09022015). Collection method: clinical testing. Allele origin: germline.
Comment: In summary, the available evidence is currently insufficient to determine the role of this variant in disease. Therefore, it has been classified as a Variant of Uncertain Significance. Advanced modeling of protein sequence and biophysical properties (such as structural, functional, and spatial information, amino acid conservation, physicochemical variation, residue mobility, and thermodynamic stability) performed at Invitae indicates that this missense variant is not expected to disrupt PLG protein function. This variant has not been reported in the literature in individuals affected with PLG-related conditions. This variant is not present in population databases (gnomAD no frequency). This sequence change replaces tyrosine, which is neutral and polar, with cysteine, which is neutral and slightly polar, at codon 554 of the PLG protein (p.Tyr554Cys).

NM_000301.5(PLG):c.1661A>G (p.Tyr554Cys)

Gene: PLG (plasminogen; plus strand). Cytogenetic location: 6q26.
Variant type: single nucleotide variant.
Coding change: c.1661A>G on transcript NM_000301.5 (MANE Select); coding-DNA position 1661, A replaced by G.
Protein change: p.Tyr554Cys; replaces tyrosine 554 with cysteine.
Molecular consequence: missense variant.
Genome position (GRCh38, 1-based): chr6:160,734,068, A>G. VCF-style: chr6-160734068-A-G. GRCh37 (hg19) VCF-style: chr6-161155100-A-G.
Other names: short protein forms Y554C.
Identifiers: ClinVar variation 2870045 (VCV002870045.3), dbSNP rs2484382867, ClinGen allele CA366364727.